The following is an entry in ClinVar:

ClinVar aggregate classification (germline): Uncertain significance (1 of 4 stars; one submission).

gnomAD v4.1: 12 of 1,613,868 alleles (0.00074%); highest among the groups gnomAD compares: South Asian, 0.0044%; no homozygotes.

Submission:

GeneDx
Classification: Uncertain significance. Last evaluated: 2024-07-19. Review status: criteria provided, single submitter. Criteria: GeneDx Variant Classification Process June 2021. Collection method: clinical testing. Allele origin: germline. Affected: yes.
Comment: In silico analysis indicates that this missense variant does not alter protein structure/function; Has not been previously published as pathogenic or benign to our knowledge

NM_005245.4(FAT1):c.11015G>A (p.Gly3672Asp)

Genes: FAT1 (FAT atypical cadherin 1; minus strand), LOC126807254 (BRD4-independent group 4 enhancer GRCh37_chr4:187524269-187525468; plus strand). Cytogenetic location: 4q35.2.
Variant type: single nucleotide variant.
Coding change: c.11015G>A on transcript NM_005245.4 (MANE Select); coding-DNA position 11015, G replaced by A.
Protein change: p.Gly3672Asp; replaces glycine 3672 with aspartic acid.
Molecular consequence: missense variant.
Genome position (GRCh38, 1-based): chr4:186,603,511, C>T on the plus strand (G>A on the coding strand, the complement: FAT1 is on the minus strand). VCF-style: chr4-186603511-C-T. GRCh37 (hg19) VCF-style: chr4-187524665-C-T.
Other names: short protein forms G3672D.
Identifiers: ClinVar variation 3573821 (VCV003573821.1).